The following is an entry in ClinVar:

NM_001374828.1(ARID1B):c.3704G>C (p.Gly1235Ala)

Gene: ARID1B (AT-rich interaction domain 1B; plus strand). Cytogenetic location: 6q25.3.
Variant type: single nucleotide variant.
Coding change: c.3704G>C on transcript NM_001374828.1 (MANE Select); coding-DNA position 3704, G replaced by C.
Protein change: p.Gly1235Ala; replaces glycine 1235 with alanine.
Molecular consequence: missense variant.
Genome position (GRCh38, 1-based): chr6:157,181,168, G>C. VCF-style: chr6-157181168-G-C. GRCh37 (hg19) VCF-style: chr6-157502302-G-C.
Other names: c.1205G>C, p.Gly402Ala (NM_001363725.2); c.3584G>C, p.Gly1195Ala (NM_001371656.1, NM_001374820.1); c.3545G>C, p.Gly1182Ala (NM_017519.3); short protein forms G1182A, G1195A, G1235A, G402A.
Identifiers: ClinVar variation 3387765 (VCV003387765.2).
Genomic context (GRCh38, chr6:157,181,168, plus strand): 5'-CCGTGGGCAAGAAGCCCCTGGACCTGTTCCGACTCTACGTCTGCGTCAAAGAGATCGGGG[G>C]TTTGGCCCAGGTAAGAATGAGTGAGGGAGGGGGTGAAAAAGGAAGCATTGTGGATAAGTT-3'
Protein context (NP_001361757.1, residues 1225-1245): RLYVCVKEIG[Gly1235Ala]LAQVNKNKKW

ClinVar aggregate classification (germline): Likely pathogenic (1 of 4 stars; one submission).

Conditions:
Coffin-Siris syndrome 1 (CSS1). Also called: ARID1B-Related Coffin-Siris Syndrome; Mental retardation, autosomal dominant 12. Identifiers: Orphanet 1465, MedGen C3281201, MONDO:0007617, OMIM 135900. Disease mechanism: gain of function.

Submission:

Molecular Genetics Laboratory, Motol Hospital
Classification: Likely pathogenic for Coffin-Siris syndrome 1. Last evaluated: 2024-12-13. Review status: criteria provided, single submitter. Criteria: ACMG Guidelines, 2015. Collection method: clinical testing. Allele origin: de novo. Affected: yes. Observed: 1 variant allele.
Comment: The variant was confirmed to be of a de novo origin. Rare missense variants affecting the ARID1B gene are documented as a molecular cause of "Coffin-Siris syndrome 1" (CSS1, OMIM:135900) and ARID1B-related BAFopathy (PMID:30349098;27474218;26376624;25674384). A different missense variant c.3704G>A, p.(Gly1235Asp) on the same position is reported as likely pathogenic. To conclude, the variant is classified as likely pathogenic (ACMG PM2, PS2, PM5, PP3).

Literature cited by the submitters: PubMed 30349098; PubMed 27474218; PubMed 26376624; PubMed 25674384.